The following is an entry in ClinVar:

ClinVar aggregate classification (germline): Uncertain significance (1 of 4 stars; one submission).

gnomAD v4.1: 6 of 1,605,594 alleles (0.00037%); highest among the groups gnomAD compares: South Asian, 0.0055%; no homozygotes.

Submission:

Labcorp Genetics (formerly Invitae), Labcorp
Classification: Uncertain significance. Last evaluated: 2022-11-11. Review status: criteria provided, single submitter. Criteria: Invitae Variant Classification Sherloc (09022015). Collection method: clinical testing. Allele origin: germline.
Comment: This sequence change replaces histidine, which is basic and polar, with glutamine, which is neutral and polar, at codon 479 of the BCL11B protein (p.His479Gln). This variant is present in population databases (rs147218517, gnomAD 0.01%). This variant has not been reported in the literature in individuals affected with BCL11B-related conditions. ClinVar contains an entry for this variant (Variation ID: 1426096). Advanced modeling of protein sequence and biophysical properties (such as structural, functional, and spatial information, amino acid conservation, physicochemical variation, residue mobility, and thermodynamic stability) performed at Invitae indicates that this missense variant is not expected to disrupt BCL11B protein function. In summary, the available evidence is currently insufficient to determine the role of this variant in disease. Therefore, it has been classified as a Variant of Uncertain Significance.

NM_138576.4(BCL11B):c.1437C>A (p.His479Gln)

Gene: BCL11B (BCL11 transcription factor B; minus strand). Cytogenetic location: 14q32.2.
Variant type: single nucleotide variant.
Coding change: c.1437C>A on transcript NM_138576.4 (MANE Select); coding-DNA position 1437, C replaced by A.
Protein change: p.His479Gln; replaces histidine 479 with glutamine.
Molecular consequence: missense variant.
Genome position (GRCh38, 1-based): chr14:99,175,399, G>T on the plus strand (C>A on the coding strand, the complement: BCL11B is on the minus strand). VCF-style: chr14-99175399-G-T. GRCh37 (hg19) VCF-style: chr14-99641736-G-T.
Other names: c.1434C>A, p.His478Gln (NM_001282237.2); c.1221C>A, p.His407Gln (NM_001282238.2); c.1224C>A, p.His408Gln (NM_022898.3); short protein forms H478Q, H479Q, H407Q, H408Q.
Identifiers: ClinVar variation 1426096 (VCV001426096.8), dbSNP rs147218517, ClinGen allele CA7339674.